The following is an entry in ClinVar:

NM_207352.4(CYP4V2):c.1287T>G (p.Asp429Glu)

Gene: CYP4V2 (cytochrome P450 family 4 subfamily V member 2; plus strand). Cytogenetic location: 4q35.2.
Variant type: single nucleotide variant.
Coding change: c.1287T>G on transcript NM_207352.4 (MANE Select); coding-DNA position 1287, T replaced by G.
Protein change: p.Asp429Glu; replaces aspartic acid 429 with glutamic acid.
Molecular consequence: missense variant.
Genome position (GRCh38, 1-based): chr4:186,209,154, T>G. VCF-style: chr4-186209154-T-G. GRCh37 (hg19) VCF-style: chr4-187130308-T-G.
Other names: short protein forms D429E.
Identifiers: ClinVar variation 1928416 (VCV001928416.2), dbSNP rs752446165, ClinGen allele CA3162818.
Genomic context (GRCh38, chr4:186,209,154, plus strand): 5'-AGGTTACAGAGTTCTAAAAGGCACTGAAGCCGTCATCATTCCCTATGCATTGCACAGAGA[T>G]CCGAGATACTTCCCCAACCCCGAGGAGTTCCAGCCTGAGCGGTTCTTCCCCGAGAATGCA-3'
Protein context (NP_997235.3, residues 419-439): AVIIPYALHR[Asp429Glu]PRYFPNPEEF

ClinVar aggregate classification (germline): Uncertain significance (1 of 4 stars; one submission).

Allele frequency attached by ClinVar (database versions not stated): gnomAD exomes below 0.00001; TOPMed 0.00001; ExAC 0.00002.
gnomAD v4.1: 7 of 1,614,106 alleles (0.00043%); highest among the groups gnomAD compares: Admixed American, 0.0067%; no homozygotes.

Submission:

Labcorp Genetics (formerly Invitae), Labcorp
Classification: Uncertain significance. Last evaluated: 2022-10-13. Review status: criteria provided, single submitter. Criteria: Invitae Variant Classification Sherloc (09022015). Collection method: clinical testing. Allele origin: germline.
Comment: This sequence change replaces aspartic acid, which is acidic and polar, with glutamic acid, which is acidic and polar, at codon 429 of the CYP4V2 protein (p.Asp429Glu). This variant is present in population databases (rs752446165, gnomAD 0.01%). This variant has not been reported in the literature in individuals affected with CYP4V2-related conditions. Advanced modeling of protein sequence and biophysical properties (such as structural, functional, and spatial information, amino acid conservation, physicochemical variation, residue mobility, and thermodynamic stability) performed at Invitae indicates that this missense variant is not expected to disrupt CYP4V2 protein function. In summary, the available evidence is currently insufficient to determine the role of this variant in disease. Therefore, it has been classified as a Variant of Uncertain Significance.